The following is an entry in ClinVar:

NM_006231.4(POLE):c.3664C>T (p.His1222Tyr)

Gene: POLE (DNA polymerase epsilon, catalytic subunit; minus strand). Cytogenetic location: 12q24.33.
Variant type: single nucleotide variant.
Coding change: c.3664C>T on transcript NM_006231.4 (MANE Select); coding-DNA position 3664, C replaced by T.
Protein change: p.His1222Tyr; replaces histidine 1222 with tyrosine.
Molecular consequence: missense variant.
Genome position (GRCh38, 1-based): chr12:132,649,808, G>A on the plus strand (C>T on the coding strand, the complement: POLE is on the minus strand). VCF-style: chr12-132649808-G-A. GRCh37 (hg19) VCF-style: chr12-133226394-G-A.
Other names: short protein forms H1222Y.
Identifiers: ClinVar variation 473614 (VCV000473614.14), dbSNP rs1555224105, ClinGen allele CA387386707.

ClinVar aggregate classification (germline): Conflicting classifications of pathogenicity. Review status: criteria provided, conflicting classifications (1 of 4 stars). 3 submissions from 3 submitters: Uncertain significance (2); Likely benign (1). Last evaluated 2025-09-11.

Conditions:
Hereditary cancer-predisposing syndrome. Also called: Neoplastic Syndromes, Hereditary; Tumor predisposition; Hereditary Cancer Syndrome; Hereditary neoplastic syndrome. Identifiers: Orphanet 140162, MedGen C0027672, MeSH D009386, MONDO:0015356.

gnomAD v4.1: 4 of 1,614,180 alleles (0.00025%); highest among the groups gnomAD compares: Non-Finnish European, 0.00034%; no homozygotes.

Submissions (3):

Labcorp Genetics (formerly Invitae), Labcorp
Classification: Uncertain significance. Last evaluated: 2025-09-11. Review status: criteria provided, single submitter. Criteria: Invitae Variant Classification Sherloc (09022015). Collection method: clinical testing. Allele origin: germline.
Comment: This sequence change replaces histidine, which is basic and polar, with tyrosine, which is neutral and polar, at codon 1222 of the POLE protein (p.His1222Tyr). This variant is not present in population databases (gnomAD no frequency). This variant has not been reported in the literature in individuals affected with POLE-related conditions. ClinVar contains an entry for this variant (Variation ID: 473614). Invitae Evidence Modeling of protein sequence and biophysical properties (such as structural, functional, and spatial information, amino acid conservation, physicochemical variation, residue mobility, and thermodynamic stability) indicates that this missense variant is not expected to disrupt POLE protein function with a negative predictive value of 80%. In summary, the available evidence is currently insufficient to determine the role of this variant in disease. Therefore, it has been classified as a Variant of Uncertain Significance.

Ambry Genetics
Classification: Likely benign for Hereditary cancer-predisposing syndrome. Last evaluated: 2025-01-03. Review status: criteria provided, single submitter. Criteria: Ambry Variant Classification Scheme 2023. Collection method: clinical testing. Allele origin: germline.

GeneDx
Classification: Uncertain significance. Last evaluated: 2023-11-21. Review status: criteria provided, single submitter. Criteria: GeneDx Variant Classification Process June 2021. Collection method: clinical testing. Allele origin: germline. Affected: yes.
Comment: Not observed at significant frequency in large population cohorts (gnomAD); In silico analysis supports that this missense variant does not alter protein structure/function; Has not been previously published as pathogenic or benign to our knowledge